The following is an entry in ClinVar:

ClinVar aggregate classification (germline): Uncertain significance. Review status: criteria provided, multiple submitters, no conflicts (2 of 4 stars). 3 submissions from 3 submitters: Uncertain significance (3). Last evaluated 2025-10-30.

Conditions:
Hereditary nonpolyposis colorectal neoplasms. Identifiers: MedGen C0009405, MeSH D003123.
Hereditary cancer-predisposing syndrome. Also called: Neoplastic Syndromes, Hereditary; Hereditary Cancer Syndrome; Tumor predisposition; Hereditary neoplastic syndrome. Identifiers: Orphanet 140162, MedGen C0027672, MeSH D009386, MONDO:0015356.

Submissions (3):

Ambry Genetics
Classification: Uncertain significance for Hereditary cancer-predisposing syndrome. Last evaluated: 2025-10-30. Review status: criteria provided, single submitter. Criteria: Ambry Variant Classification Scheme 2023. Collection method: clinical testing. Allele origin: germline.
Comment: The p.P840S variant (also known as c.2518C>T), located in coding exon 15 of the PMS2 gene, results from a C to T substitution at nucleotide position 2518. The proline at codon 840 is replaced by serine, an amino acid with similar properties. This amino acid position is highly conserved in available vertebrate species. In addition, this alteration is predicted to be deleterious by in silico analysis. Based on the available evidence, the clinical significance of this variant remains unclear.

Labcorp Genetics (formerly Invitae), Labcorp
Classification: Uncertain significance for Hereditary nonpolyposis colorectal neoplasms. Last evaluated: 2024-05-06. Review status: criteria provided, single submitter. Criteria: Invitae Variant Classification Sherloc (09022015). Collection method: clinical testing. Allele origin: germline.
Comment: This sequence change replaces proline, which is neutral and non-polar, with serine, which is neutral and polar, at codon 840 of the PMS2 protein (p.Pro840Ser). The frequency data for this variant in the population databases (gnomAD) is considered unreliable due to the presence of homologous sequence, such as pseudogenes or paralogs, in the genome. This variant has not been reported in the literature in individuals affected with PMS2-related conditions. ClinVar contains an entry for this variant (Variation ID: 573719). Advanced modeling of protein sequence and biophysical properties (such as structural, functional, and spatial information, amino acid conservation, physicochemical variation, residue mobility, and thermodynamic stability) performed at Invitae indicates that this missense variant is expected to disrupt PMS2 protein function with a positive predictive value of 80%. In summary, the available evidence is currently insufficient to determine the role of this variant in disease. Therefore, it has been classified as a Variant of Uncertain Significance.

GeneDx
Classification: Uncertain significance. Last evaluated: 2020-02-27. Review status: criteria provided, single submitter. Criteria: GeneDx Variant Classification Process June 2021. Collection method: clinical testing. Allele origin: germline. Affected: yes.
Comment: Not observed in large population cohorts (Lek et al., 2016); In silico analysis supports that this missense variant has a deleterious effect on protein structure/function; Has not been previously published as pathogenic or benign to our knowledge

NM_000535.7(PMS2):c.2518C>T (p.Pro840Ser)

Gene: PMS2 (PMS1 homolog 2, mismatch repair system component; minus strand). Cytogenetic location: 7p22.1.
Variant type: single nucleotide variant.
Coding change: c.2518C>T on transcript NM_000535.7 (MANE Select); coding-DNA position 2518, C replaced by T.
Protein change: p.Pro840Ser; replaces proline 840 with serine.
Molecular consequence: missense variant. On other transcripts: non-coding transcript variant (1).
Genome position (GRCh38, 1-based): chr7:5,973,470, G>A on the plus strand (C>T on the coding strand, the complement: PMS2 is on the minus strand). VCF-style: chr7-5973470-G-A. GRCh37 (hg19) VCF-style: chr7-6013101-G-A.
Other names: c.2113C>T, p.Pro705Ser (NM_001322003.2, NM_001322004.2, NM_001322005.2); c.2362C>T, p.Pro788Ser (NM_001322006.2); c.2200C>T, p.Pro734Ser (NM_001322007.2, NM_001322008.2); c.2146C>T, p.Pro716Ser (NM_001322009.2); c.1957C>T, p.Pro653Ser (NM_001322010.2); c.1585C>T, p.Pro529Ser (NM_001322011.2, NM_001322012.2); c.1945C>T, p.Pro649Ser (NM_001322013.2); c.2551C>T, p.Pro851Ser (NM_001322014.2); and 1 more; short protein forms P840S, P705S, P734S, P737S, P851S, P653S, P788S, P649S.
Identifiers: ClinVar variation 573719 (VCV000573719.16), dbSNP rs1562593877, ClinGen allele CA366734882.